The following is an entry in ClinVar:

ClinVar aggregate classification (germline): Uncertain significance (1 of 4 stars; one submission).

Allele frequency attached by ClinVar (database versions not stated): gnomAD exomes below 0.00001; TOPMed 0.00001.
gnomAD v4.1: 4 of 1,557,822 alleles (0.00026%); highest among the groups gnomAD compares: East Asian, 0.0024%; no homozygotes.

Submission:

Labcorp Genetics (formerly Invitae), Labcorp
Classification: Uncertain significance. Last evaluated: 2022-06-09. Review status: criteria provided, single submitter. Criteria: Invitae Variant Classification Sherloc (09022015). Collection method: clinical testing. Allele origin: germline.
Comment: Algorithms developed to predict the effect of missense changes on protein structure and function are either unavailable or do not agree on the potential impact of this missense change (SIFT: "Deleterious"; PolyPhen-2: "Not Available"; Align-GVGD: "Class C65"). In summary, the available evidence is currently insufficient to determine the role of this variant in disease. Therefore, it has been classified as a Variant of Uncertain Significance. This variant has not been reported in the literature in individuals affected with GLTSCR1-related conditions. The frequency data for this variant in the population databases is considered unreliable, as metrics indicate poor data quality at this position in the gnomAD database. This sequence change replaces glycine, which is neutral and non-polar, with aspartic acid, which is acidic and polar, at codon 455 of the GLTSCR1 protein (p.Gly455Asp).

NM_001394372.1(BICRA):c.1364G>A (p.Gly455Asp)

Gene: BICRA (BRD4 interacting chromatin remodeling complex associated protein; plus strand). Cytogenetic location: 19q13.33.
Variant type: single nucleotide variant.
Coding change: c.1364G>A on transcript NM_001394372.1 (MANE Select); coding-DNA position 1364, G replaced by A.
Protein change: p.Gly455Asp; replaces glycine 455 with aspartic acid.
Molecular consequence: missense variant.
Genome position (GRCh38, 1-based): chr19:47,680,534, G>A. VCF-style: chr19-47680534-G-A. GRCh37 (hg19) VCF-style: chr19-48183791-G-A.
Other names: c.1364G>A, p.Gly455Asp (NM_015711.3); short protein forms G455D.
Identifiers: ClinVar variation 2003711 (VCV002003711.4), dbSNP rs1453276046, ClinGen allele CA406612952.
Genomic context (GRCh38, chr19:47,680,534, plus strand): 5'-CCCCGCCGCAGCCCCCCGGGGCCCTGAGCAAACCCATGAGCGTCCACCTCCTGAACCAAG[G>A]CAGCAGCATCGTCATCCCCGCCCAGCACATGCTGCCGGGCCAGAACCAGTTCCTACTGCC-3'
Protein context (NP_001381301.1, residues 445-465): KPMSVHLLNQ[Gly455Asp]SSIVIPAQHM